The following is an entry in ClinVar:

ClinVar aggregate classification (germline): Conflicting classifications of pathogenicity. Review status: criteria provided, conflicting classifications (1 of 4 stars). 4 submissions from 4 submitters: Pathogenic (1); Likely pathogenic (2); Uncertain significance (1). Last evaluated 2026-07-01.

Conditions:
Glycogen storage disease, type II (IOPD). Also called: CARDIOMEGALIA GLYCOGENICA DIFFUSA; GLYCOGENOSIS, GENERALIZED, CARDIAC FORM; GSD II; POMPE DISEASE, INFANTILE-ONSET; GLYCOGEN STORAGE DISEASE II, INFANTILE-ONSET; ACID ALPHA-GLUCOSIDASE DEFICIENCY, INFANTILE-ONSET. Identifiers: Orphanet 365, MedGen C0017921, MONDO:0009290, OMIM 232300.

Allele frequency attached by ClinVar (database versions not stated): gnomAD exomes below 0.00001.
gnomAD v4.1: 1 of 1,612,030 alleles (0.000062%); highest among the groups gnomAD compares: Non-Finnish European, 0.000085%; no homozygotes.

Submissions (4):

Genomenon, Inc
Classification: Uncertain significance for Glycogen storage disease, type II. Last evaluated: 2026-07-01. Review status: criteria provided, single submitter. Criteria: Genomenon Sequence Variant Interpretation Standards - Updated. Collection method: curation. Allele origin: germline. Affected: yes.
Comment: GAA p.Asp616Asn (c.1846G>A) is a missense variant that changes the amino acid at codon 616 from Aspartic acid to Asparagine. This variant has been observed in at least one proband with a GAA-related disorder (PMID:22185990). The variant is located in a mutational hotspot and/or important functional domain. It is absent or not present at a significant frequency in gnomAD. In silico models predict that this variant is possibly or probably damaging. In conclusion, we classify GAA p.Asp616Asn (c.1846G>A) as a variant of uncertain significance.

Labcorp Genetics (formerly Invitae), Labcorp
Classification: Pathogenic for Glycogen storage disease, type II. Last evaluated: 2025-07-09. Review status: criteria provided, single submitter. Criteria: Invitae Variant Classification Sherloc (09022015). Collection method: clinical testing. Allele origin: germline.
Comment: This sequence change replaces aspartic acid, which is acidic and polar, with asparagine, which is neutral and polar, at codon 616 of the GAA protein (p.Asp616Asn). This variant is not present in population databases (gnomAD no frequency). This missense change has been observed in individual(s) with Pompe disease (PMID: 21488246, 22185990, 31086307, 31342611). ClinVar contains an entry for this variant (Variation ID: 1411511). Invitae Evidence Modeling of protein sequence and biophysical properties (such as structural, functional, and spatial information, amino acid conservation, physicochemical variation, residue mobility, and thermodynamic stability) indicates that this missense variant is expected to disrupt GAA protein function with a positive predictive value of 95%. For these reasons, this variant has been classified as Pathogenic.

Natera, Inc.
Classification: Likely pathogenic for Glycogen storage disease type II. Last evaluated: 2024-11-20. Review status: criteria provided, single submitter. Criteria: Natera Variant Classification Schema (03/2026). Collection method: clinical testing. Allele origin: germline.
Comment: The c.1846G>A variant in GAA is a missense variant predicted to cause substitution of aspartic acid to asparagine at amino acid 616. This variant is rare in the general population with a frequency below the threshold expected for the associated phenotype(s). This variant has been observed in one or more individuals affected with the associated recessive disease, as either homozygous or compound heterozygous with a second variant (PMID: 31086307). This variant is located in a functionally critical region of the protein. Computational prediction algorithms indicate this variant is likely to affect gene or protein function. Given the available evidence, this variant is classified as Likely Pathogenic.

Revvity Omics, Revvity
Classification: Likely pathogenic. Last evaluated: 2023-08-16. Review status: criteria provided, single submitter. Criteria: ACMG Guidelines, 2015. Collection method: clinical testing. Allele origin: germline.

Literature cited by the submitters: PubMed 22185990 (cited by Genomenon, Inc and Labcorp Genetics (formerly Invitae), Labcorp); PubMed 21488246 (cited by Labcorp Genetics (formerly Invitae), Labcorp); PubMed 31086307 (cited by Labcorp Genetics (formerly Invitae), Labcorp and Natera, Inc.); PubMed 31342611 (cited by Labcorp Genetics (formerly Invitae), Labcorp).

NM_000152.5(GAA):c.1846G>A (p.Asp616Asn)

Gene: GAA (alpha glucosidase; plus strand). Cytogenetic location: 17q25.3.
Variant type: single nucleotide variant.
Coding change: c.1846G>A on transcript NM_000152.5 (MANE Select); coding-DNA position 1846, G replaced by A.
Protein change: p.Asp616Asn; replaces aspartic acid 616 with asparagine.
Molecular consequence: missense variant.
Genome position (GRCh38, 1-based): chr17:80,112,669, G>A. VCF-style: chr17-80112669-G-A. GRCh37 (hg19) VCF-style: chr17-78086468-G-A.
Other names: c.1846G>A, p.Asp616Asn (NM_001079803.3, NM_001079804.3); c.1846G>A (NM_000152.4); short protein forms D616N.
Identifiers: ClinVar variation 1411511 (VCV001411511.12), dbSNP rs796161389, ClinGen allele CA294896447.
Genomic context (GRCh38, chr17:80,112,669, plus strand): 5'-TTTGTGATCTCCCGCTCGACCTTTGCTGGCCACGGCCGATACGCCGGCCACTGGACGGGG[G>A]ACGTGTGGAGCTCCTGGGAGCAGCTCGCCTCCTCCGTGCCAGGTGAGCTCCTACCAGGAG-3'
Protein context (NP_000143.2, residues 606-626): HGRYAGHWTG[Asp616Asn]VWSSWEQLAS